The following is an entry in ClinVar:

ClinVar aggregate classification (germline): Likely pathogenic (1 of 4 stars; one submission).

Submission:

GeneDx
Classification: Likely pathogenic. Last evaluated: 2016-11-03. Review status: criteria provided, single submitter. Criteria: GeneDx Variant Classification (06012015). Collection method: clinical testing. Allele origin: germline. Affected: yes.
Comment: The C1386Y variant in the SCN2A gene has not been reported previously as a pathogenic variant, noras a benign variant, to our knowledge. The C1386Y variant was not observed in approximately 6500individuals of European and African American ancestry in the NHLBI Exome Sequencing Project,indicating it is not a common benign variant in these populations. The C1386Y variant is anon-conservative amino acid substitution, which is likely to impact secondary protein structure asthese residues differ in polarity, charge, size and/or other properties. This substitution occurs withinthe pore forming loop between the S5 and S6 transmembrane segments at a position that is conservedacross species. In silico analysis predicts this variant is probably damaging to the proteinstructure/function. The C1386Y variant is a strong candidate for a pathogenic variant however thepossibility it may be a rare benign variant cannot be excluded.

NM_001040142.2(SCN2A):c.4157G>A (p.Cys1386Tyr)

Gene: SCN2A (sodium voltage-gated channel alpha subunit 2; plus strand). Cytogenetic location: 2q24.3.
Variant type: single nucleotide variant.
Coding change: c.4157G>A on transcript NM_001040142.2 (MANE Select); coding-DNA position 4157, G replaced by A.
Protein change: p.Cys1386Tyr; replaces cysteine 1386 with tyrosine.
Molecular consequence: missense variant.
Genome position (GRCh38, 1-based): chr2:165,374,869, G>A. VCF-style: chr2-165374869-G-A. GRCh37 (hg19) VCF-style: chr2-166231379-G-A.
Other names: c.4157G>A, p.Cys1386Tyr (NM_001040143.2, NM_001371246.1, NM_001371247.1 and 1 more transcripts); short protein forms C1386Y.
Identifiers: ClinVar variation 390338 (VCV000390338.2), dbSNP rs1057523734, ClinGen allele CA16603824.